The following is an entry in ClinVar:

NM_002609.4(PDGFRB):c.1472T>C (p.Val491Ala)

Gene: PDGFRB (platelet derived growth factor receptor beta; minus strand). Cytogenetic location: 5q32.
Variant type: single nucleotide variant.
Coding change: c.1472T>C on transcript NM_002609.4 (MANE Select); coding-DNA position 1472, T replaced by C.
Protein change: p.Val491Ala; replaces valine 491 with alanine.
Molecular consequence: missense variant.
Genome position (GRCh38, 1-based): chr5:150,129,864, A>G on the plus strand (T>C on the coding strand, the complement: PDGFRB is on the minus strand). VCF-style: chr5-150129864-A-G. GRCh37 (hg19) VCF-style: chr5-149509427-A-G.
Other names: c.1280T>C, p.Val427Ala (NM_001355016.2); c.989T>C, p.Val330Ala (NM_001355017.2); short protein forms V491A, V330A, V427A.
Identifiers: ClinVar variation 540600 (VCV000540600.14), dbSNP rs540480924, ClinGen allele CA3507970.

ClinVar aggregate classification (germline): Likely benign. Review status: criteria provided, single submitter (1 of 4 stars). 2 submissions from 2 submitters: Likely benign (1). 1 of the submissions does not count toward it. Last evaluated 2024-12-20.

Conditions:
PDGFRB-related disorder. Also called: PDGFRB-related condition.
Basal ganglia calcification, idiopathic, 4 (PFBC4). Also called: PRIMARY FAMILIAL BRAIN CALCIFICATION 4, AUTOSOMAL DOMINANT; Familial Idiopathic Basal Ganglia Calcification 4. Identifiers: Orphanet 1980, MedGen C3554321, MONDO:0014004, OMIM 615007.
Infantile myofibromatosis (IMF). Also called: Congenital generalized fibromatosis. Identifiers: Orphanet 2591, MedGen C0432284, MONDO:0016824.
Acroosteolysis-keloid-like lesions-premature aging syndrome. Also called: Progeroid syndrome, Penttinen type; Premature aging syndrome, Penttinen type; Prematurely aged appearance, delayed bone maturation, acro-osteolysis, and brachydactyly. Identifiers: Orphanet 363665, MedGen C1866182, MONDO:0011150, OMIM 601812.
Skeletal overgrowth-craniofacial dysmorphism-hyperelastic skin-white matter lesions syndrome. Also called: SKELETAL OVERGROWTH WITH FACIAL DYSMORPHISM, HYPERELASTIC SKIN, WHITE MATTER LESIONS, AND NEUROLOGIC DETERIORATION; Kosaki overgrowth syndrome. Identifiers: Orphanet 477831, MedGen C4225270, MONDO:0014704, OMIM 616592.

Allele frequency attached by ClinVar (database versions not stated): gnomAD 0.00001; gnomAD exomes 0.00002 and 0.00011; TOPMed 0.00003; 1000 Genomes Project 0.00020; ExAC 0.00008.
gnomAD v4.1: 37 of 1,614,054 alleles (0.0023%); highest among the groups gnomAD compares: Admixed American, 0.053%; no homozygotes.

Submissions (2):

Labcorp Genetics (formerly Invitae), Labcorp
Classification: Likely benign for Basal ganglia calcification, idiopathic, 4; Skeletal overgrowth-craniofacial dysmorphism-hyperelastic skin-white matter lesions syndrome; Infantile myofibromatosis; Acroosteolysis-keloid-like lesions-premature aging syndrome. Last evaluated: 2024-12-20. Review status: criteria provided, single submitter. Criteria: Invitae Variant Classification Sherloc (09022015). Collection method: clinical testing. Allele origin: germline.

PreventionGenetics, part of Exact Sciences
Classification: Likely benign for PDGFRB-related condition. Last evaluated: 2022-04-04. Review status: no assertion criteria provided. Collection method: clinical testing. Allele origin: germline. Not counted in ClinVar's aggregate classification.
Comment: This variant is classified as likely benign based on ACMG/AMP sequence variant interpretation guidelines (Richards et al. 2015 PMID: 25741868, with internal and published modifications).